The following is an entry in ClinVar:

ClinVar aggregate classification (germline): Uncertain significance (1 of 4 stars; one submission).

Submission:

Labcorp Genetics (formerly Invitae), Labcorp
Classification: Uncertain significance. Last evaluated: 2023-12-13. Review status: criteria provided, single submitter. Criteria: Invitae Variant Classification Sherloc (09022015). Collection method: clinical testing. Allele origin: unknown.
Comment: This variant is a gross deletion of the genomic region encompassing exon(s) 2-20 of the NAA15 gene, which includes the termination codon. This deletion extends beyond the assayed region for this gene and therefore may encompass additional genes. While this deletion is not anticipated to lead to nonsense mediated decay, it is expected to alter mRNA translation or result in a truncated protein product. This variant has not been reported in the literature in individuals affected with NAA15-related conditions. In summary, the available evidence is currently insufficient to determine the role of this variant in disease. Therefore, it has been classified as a Variant of Uncertain Significance.

NC_000004.11:g.(?_140255308)_(140309238_?)del

Gene: NAA15 (N-alpha-acetyltransferase 15, NatA auxiliary subunit; plus strand). Cytogenetic location: 4q31.1.
Variant type: Deletion.
Identifiers: ClinVar variation 3246772 (VCV003246772.1).